The following is an entry in ClinVar:

NM_001042432.2(CLN3):c.982G>C (p.Ala328Pro)

Gene: CLN3 (CLN3 lysosomal/endosomal transmembrane protein, battenin; minus strand). Cytogenetic location: 16p12.1.
Variant type: single nucleotide variant.
Coding change: c.982G>C on transcript NM_001042432.2 (MANE Select); coding-DNA position 982, G replaced by C.
Protein change: p.Ala328Pro; replaces alanine 328 with proline.
Molecular consequence: missense variant.
Genome position (GRCh38, 1-based): chr16:28,482,179, C>G on the plus strand (G>C on the coding strand, the complement: CLN3 is on the minus strand). VCF-style: chr16-28482179-C-G. GRCh37 (hg19) VCF-style: chr16-28493500-C-G.
Other names: c.982G>C, p.Ala328Pro (NM_000086.2); c.910G>C, p.Ala304Pro (NM_001286104.2); c.682G>C, p.Ala228Pro (NM_001286105.2); c.748G>C, p.Ala250Pro (NM_001286109.2); c.820G>C, p.Ala274Pro (NM_001286110.2); short protein forms A228P, A250P, A274P, A304P, A328P.
Identifiers: ClinVar variation 4530938 (VCV004530938.1).

ClinVar aggregate classification (germline): Uncertain significance (1 of 4 stars; one submission).

gnomAD v4.1: 1 of 1,613,432 alleles (0.000062%); highest among the groups gnomAD compares: Non-Finnish European, 0.000085%; no homozygotes.

Submission:

GeneDx
Classification: Uncertain significance. Last evaluated: 2025-05-21. Review status: criteria provided, single submitter. Criteria: GeneDx Variant Classification Process June 2021. Collection method: clinical testing. Allele origin: germline. Affected: yes.
Comment: Reported along with a second variant in the CLN3 gene in a patient with juvenile neuronal ceroid-lipofuscinosis in the published literature; however, segregation information was not provided (Shen et al. 2020. Chinese Journal of Experimental Opthalmology. 12 :45-49); Not observed at significant frequency in large population cohorts (gnomAD); In silico analysis supports that this missense variant has a deleterious effect on protein structure/function; This variant is associated with the following publications: (PMID: Shen2020[CaseReport], Lei2024[Abstract], Lei2023[Abstract])